The following is an entry in ClinVar:

NM_001163435.3(TBCK):c.2060_2235+1del

Gene: TBCK (TBC1 domain containing kinase; minus strand). Cytogenetic location: 4q24.
Variant type: Deletion.
Coding change: c.2060_2235+1del on transcript NM_001163435.3 (MANE Select); coding-DNA position 2060 through the canonical splice donor site of the intron after coding-DNA position 2235, 177 bases deleted.
Molecular consequence: splice acceptor variant, splice donor variant.
Genome position (GRCh38, 1-based): chr4:106,171,094-106,171,270, 177 bases deleted. GRCh37 (hg19): chr4:107,092,252-107,092,428.
Other names: c.2060_2235+1del (NM_001163436.4); c.1871_2046+1del (NM_033115.5); c.1943_2118+1del (NM_001163437.3); c.1544_1719+1del (NM_001290768.2).
Identifiers: ClinVar variation 584451 (VCV000584451.3), dbSNP rs1560755661, ClinGen allele CA891843296.

ClinVar aggregate classification (germline): Pathogenic (1 of 4 stars; one submission).

Conditions:
Hypotonia, infantile, with psychomotor retardation and characteristic facies 3 (IHPRF3). Also called: TBCK-Related Neurodevelopmental Disorder. Identifiers: Orphanet 488632, MedGen C5567480, MONDO:0014823, OMIM 616900.

Submission:

Undiagnosed Diseases Network, NIH
Classification: Pathogenic for Hypotonia, infantile, with psychomotor retardation and characteristic facies 3. Last evaluated: 2018-06-26. Review status: criteria provided, single submitter. Criteria: ACMG Guidelines, 2015. Collection method: clinical testing. Allele origin: inherited. Inheritance: Autosomal recessive inheritance. Affected: yes. Observed: 2 homozygotes. Clinical features observed: Tented upper lip vermilion (HP:0010804), Rod-cone dystrophy (HP:0000510), Profound global developmental delay (HP:0012736), Primary Caesarian section (HP:0030363), Poor suck (HP:0002033), Overlapping toe (HP:0001845), Nystagmus (HP:0000639), Neonatal respiratory distress (HP:0002643), Low APGAR score (HP:0030917), Laryngomalacia (HP:0001601), Hyporeflexia (HP:0001265), Generalized muscle weakness (HP:0003324), and 32 more.
Comment: Exome sequencing identified a homozygous exonic deletion affecting exon 23 of the TBCK gene. A PCR assay designed specific for the breakpoint of the deletion showed results consistent with a homozygous deletion.